The following is an entry in ClinVar:

NM_001267550.2(TTN):c.26281G>A (p.Gly8761Ser)

Gene: TTN (titin; minus strand). Cytogenetic location: 2q31.2.
Variant type: single nucleotide variant.
Coding change: c.26281G>A on transcript NM_001267550.2 (MANE Select); coding-DNA position 26281, G replaced by A.
Protein change: p.Gly8761Ser; replaces glycine 8761 with serine.
Molecular consequence: missense variant. On other transcripts: intron variant (3).
Genome position (GRCh38, 1-based): chr2:178,714,493, C>T on the plus strand (G>A on the coding strand, the complement: TTN is on the minus strand). VCF-style: chr2-178714493-C-T. GRCh37 (hg19) VCF-style: chr2-179579220-C-T.
Other names: p.Gly8444Ser; c.25330G>A, p.Gly8444Ser (NM_001256850.1); c.22549G>A, p.Gly7517Ser (NM_133378.4); c.13282+23589G>A (NM_003319.4); c.13858+23589G>A (NM_133437.4); c.13657+23589G>A (NM_133432.3); short protein forms G8761S, G7517S, G8444S.
Identifiers: ClinVar variation 404749 (VCV000404749.19), dbSNP rs369385294, ClinGen allele CA2000037.
Genomic context (GRCh38, chr2:178,714,493, plus strand): 5'-CACTTTCTCTAACGATTTCTCCCTTATCTTTGAACCACACCACTGAAATGGGTTCAGCGC[C>T]TTCAATGGTAGTCTGCAGCTGAACTTCTTTACCAACGACAGTAGATATGTCACTGAGCTT-3'
Protein context (NP_001254479.2, residues 8751-8771): KEVQLQTTIE[Gly8761Ser]AEPISVVWFK

ClinVar aggregate classification (germline): Conflicting classifications of pathogenicity. Review status: criteria provided, conflicting classifications (1 of 4 stars). 9 submissions from 9 submitters: Uncertain significance (5); Likely benign (2). 2 of the submissions do not count toward it. Last evaluated 2026-04-13.

Conditions:
TTN-related disorder. Also called: TTN-related disorders; TTN-related condition; TTN-related disease.
Autosomal recessive limb-girdle muscular dystrophy type 2J (LGMDR10). Also called: Limb-girdle muscular dystrophy, type 2J; MUSCULAR DYSTROPHY, LIMB-GIRDLE, AUTOSOMAL RECESSIVE 10. Identifiers: Orphanet 140922, MedGen C1837342, MONDO:0012127, OMIM 608807.
Dilated cardiomyopathy 1G (CMD1G). Identifiers: Orphanet 154, MedGen C1858763, MONDO:0011400, OMIM 604145.

Allele frequency attached by ClinVar (database versions not stated): ExAC 0.00005; gnomAD 0.00005 and 0.00006; TOPMed 0.00005; gnomAD exomes 0.00006 and 0.00016; ESP Exome Variant Server 0.00017.
gnomAD v4.1: 229 of 1,613,350 alleles (0.014%); highest among the groups gnomAD compares: Non-Finnish European, 0.019%; no homozygotes.

Submissions (9):

PreventionGenetics, part of Exact Sciences
Classification: Uncertain significance for TTN-related condition. Last evaluated: 2026-04-13. Review status: criteria provided, single submitter. Criteria: ACMG Guidelines, 2015. Collection method: clinical testing. Allele origin: germline.
Comment: The TTN c.26281G>A variant is predicted to result in the amino acid substitution p.Gly8761Ser. To our knowledge, this variant has not been reported in the literature. This variant is reported in 0.011% of alleles in individuals of European (Non-Finnish) descent in gnomAD. Although we suspect that this variant may be benign, at this time, the clinical significance of this variant is uncertain due to the absence of conclusive functional and genetic evidence.

Molecular Diagnostic Laboratory for Inherited Cardiovascular Disease, Montreal Heart Institute
Classification: Likely benign. Last evaluated: 2025-07-24. Review status: criteria provided, single submitter. Criteria: ACMG Guidelines, 2015. Collection method: clinical testing. Allele origin: germline. Affected: no.
Comment: BP1

Women's Health and Genetics/Laboratory Corporation of America, LabCorp
Classification: Uncertain significance. Last evaluated: 2021-12-26. Review status: criteria provided, single submitter. Criteria: LabCorp Variant Classification Summary - May 2015. Collection method: clinical testing. Allele origin: germline.

Mayo Clinic Laboratories, Mayo Clinic
Classification: Uncertain significance. Last evaluated: 2021-11-30. Review status: criteria provided, single submitter. Criteria: ACMG Guidelines, 2015. Collection method: clinical testing. Allele origin: germline.

GeneDx
Classification: Likely benign. Last evaluated: 2021-03-02. Review status: criteria provided, single submitter. Criteria: GeneDx Variant Classification Process June 2021. Collection method: clinical testing. Allele origin: germline. Affected: yes.

Eurofins Ntd Llc (ga)
Classification: Uncertain significance. Last evaluated: 2018-08-10. Review status: criteria provided, single submitter. Criteria: EGL ClinVar v180209 classification definitions. Collection method: clinical testing. Allele origin: germline. Observed: 1 variant allele, 1 heterozygote.

Labcorp Genetics (formerly Invitae), Labcorp
Classification: Uncertain significance for Dilated cardiomyopathy 1G; Autosomal recessive limb-girdle muscular dystrophy type 2J. Last evaluated: 2017-09-28. Review status: criteria provided, single submitter. Criteria: Invitae Variant Classification Sherloc (09022015). Collection method: clinical testing. Allele origin: germline.

Clinical Genetics DNA and cytogenetics Diagnostics Lab, Erasmus MC, Erasmus Medical Center
Classification: Uncertain significance. Review status: no assertion criteria provided. Collection method: clinical testing. Allele origin: germline. Affected: yes. Study: VKGL Data-share Consensus. Not counted in ClinVar's aggregate classification.

Joint Genome Diagnostic Labs from Nijmegen and Maastricht, Radboudumc and MUMC+
Classification: Uncertain significance. Review status: no assertion criteria provided. Collection method: clinical testing. Allele origin: germline. Affected: yes. Study: VKGL Data-share Consensus. Not counted in ClinVar's aggregate classification.